The following is an entry in ClinVar:

NM_001042432.2(CLN3):c.421C>G (p.Leu141Val)

Gene: CLN3 (CLN3 lysosomal/endosomal transmembrane protein, battenin; minus strand). Cytogenetic location: 16p12.1.
Variant type: single nucleotide variant.
Coding change: c.421C>G on transcript NM_001042432.2 (MANE Select); coding-DNA position 421, C replaced by G.
Protein change: p.Leu141Val; replaces leucine 141 with valine.
Molecular consequence: missense variant.
Genome position (GRCh38, 1-based): chr16:28,487,495, G>C on the plus strand (C>G on the coding strand, the complement: CLN3 is on the minus strand). VCF-style: chr16-28487495-G-C. GRCh37 (hg19) VCF-style: chr16-28498816-G-C.
Other names: c.421C>G, p.Leu141Val (NM_000086.2); c.349C>G, p.Leu117Val (NM_001286104.2); c.121C>G, p.Leu41Val (NM_001286105.2); c.187C>G, p.Leu63Val (NM_001286109.2); c.259C>G, p.Leu87Val (NM_001286110.2); short protein forms L117V, L141V, L41V, L63V, L87V.
Identifiers: ClinVar variation 1058428 (VCV001058428.9), dbSNP rs2141714404, ClinGen allele CA395345875.
Genomic context (GRCh38, chr16:28,487,495, plus strand): 5'-GACACAGAACCACACACTCACCACACAGGCTGGTCCCCACAGAATGAGAAAAGGCAACCA[G>C]GACGAAGCTTCCAGCAGCACAAATCCCACTGACGAGAACCCGGGGGCTGAGGGGGTGAGA-3'
Protein context (NP_001035897.1, residues 131-151): SGICAAGSFV[Leu141Val]VAFSHSVGTS

ClinVar aggregate classification (germline): Uncertain significance (1 of 4 stars; one submission).

Conditions:
Neuronal ceroid lipofuscinosis. Also called: Neuronal Ceroid Lipofuscinoses. Identifiers: Orphanet 216, Orphanet 79263, MedGen C0027877, MONDO:0016295. Disease mechanism: loss of function.

Submission:

Labcorp Genetics (formerly Invitae), Labcorp
Classification: Uncertain significance for Neuronal ceroid lipofuscinosis. Last evaluated: 2022-07-30. Review status: criteria provided, single submitter. Criteria: Invitae Variant Classification Sherloc (09022015). Collection method: clinical testing. Allele origin: germline.
Comment: In summary, the available evidence is currently insufficient to determine the role of this variant in disease. Therefore, it has been classified as a Variant of Uncertain Significance. Algorithms developed to predict the effect of missense changes on protein structure and function are either unavailable or do not agree on the potential impact of this missense change (SIFT: "Tolerated"; PolyPhen-2: "Possibly Damaging"; Align-GVGD: "Class C0"). ClinVar contains an entry for this variant (Variation ID: 1058428). This variant has not been reported in the literature in individuals affected with CLN3-related conditions. This variant is not present in population databases (gnomAD no frequency). This sequence change replaces leucine, which is neutral and non-polar, with valine, which is neutral and non-polar, at codon 141 of the CLN3 protein (p.Leu141Val).